The following is an entry in ClinVar:

ClinVar aggregate classification (germline): Uncertain significance (1 of 4 stars; one submission).

Conditions:
Hereditary cancer-predisposing syndrome. Also called: Neoplastic Syndromes, Hereditary; Tumor predisposition; Hereditary Cancer Syndrome; Hereditary neoplastic syndrome. Identifiers: Orphanet 140162, MedGen C0027672, MeSH D009386, MONDO:0015356.

Submission:

Ambry Genetics
Classification: Uncertain significance for Hereditary cancer-predisposing syndrome. Last evaluated: 2026-01-18. Review status: criteria provided, single submitter. Criteria: Ambry Variant Classification Scheme 2023. Collection method: clinical testing. Allele origin: germline.
Comment: The p.L601R variant (also known as c.1802T>G), located in coding exon 14 of the POLD1 gene, results from a T to G substitution at nucleotide position 1802. The leucine at codon 601 is replaced by arginine, an amino acid with dissimilar properties. This amino acid position is conserved. In addition, this alteration is predicted to be deleterious by in silico analysis. Based on the available evidence, the clinical significance of this variant remains unclear.

NM_002691.4(POLD1):c.1802T>G (p.Leu601Arg)

Gene: POLD1 (DNA polymerase delta 1, catalytic subunit; plus strand). Cytogenetic location: 19q13.33.
Variant type: single nucleotide variant.
Coding change: c.1802T>G on transcript NM_002691.4 (MANE Select); coding-DNA position 1802, T replaced by G.
Protein change: p.Leu601Arg; replaces leucine 601 with arginine.
Molecular consequence: missense variant. On other transcripts: non-coding transcript variant (1).
Genome position (GRCh38, 1-based): chr19:50,408,811, T>G. VCF-style: chr19-50408811-T-G. GRCh37 (hg19) VCF-style: chr19-50912068-T-G.
Other names: c.1802T>G, p.Leu601Arg (NM_001256849.1, NM_001438210.1, NM_001438211.1 and 2 more transcripts); c.1880T>G, p.Leu627Arg (NM_001308632.1); short protein forms L627R, L601R.
Identifiers: ClinVar variation 4842899 (VCV004842899.1).